The following is an entry in ClinVar:

NM_000533.5(PLP1):c.192-2A>C

Genes: PLP1 (proteolipid protein 1; plus strand), RAB9B (RAB9B, member RAS oncogene family; minus strand). Cytogenetic location: Xq22.2.
Variant type: single nucleotide variant.
Coding change: c.192-2A>C on transcript NM_000533.5 (MANE Select); the canonical splice acceptor site of the intron before coding-DNA position 192, A replaced by C.
Molecular consequence: splice acceptor variant.
Genome position (GRCh38, 1-based): chrX:103,786,463, A>C. VCF-style: chrX-103786463-A-C. GRCh37 (hg19) VCF-style: chrX-103041392-A-C.
Other names: c.192-2A>C (NM_001128834.3, NM_199478.3); c.27-2A>C (NM_001305004.1).
Identifiers: ClinVar variation 3255406 (VCV003255406.2), dbSNP rs113951193.
Genomic context (GRCh38, chrX:103,786,463, plus strand): 5'-AAAGAAGCCAGGTCTTCAATTAATAAGATTCCCTGGTCTCGTTTGTCTACCTGTTAATGC[A>C]GGATCCATGCCTTCCAGTATGTCATCTATGGAACTGCCTCTTTCTTCTTCCTTTATGGGG-3'

ClinVar aggregate classification (germline): Likely pathogenic (1 of 4 stars; one submission).

Conditions:
Pelizaeus-Merzbacher disease. Also called: LEUKODYSTROPHY, HYPOMYELINATING, 1; Sudanophilic leukodystrophy; Pelizaeus-Merzbacher spectrum disorder; Pelizaeus-Merzbacher Disease (PMD); Pelizeaus-Merzbacher spectrum disorder. Identifiers: Orphanet 702, MedGen C0205711, MONDO:0010714, OMIM 312080, HP:0003269.

Submission:

Molecular Diagnostics Lab, Nemours Children's Health, Delaware
Classification: Likely pathogenic for Pelizaeus-Merzbacher disease. Last evaluated: 2021-10-28. Review status: criteria provided, single submitter. Criteria: ACMG Guidelines, 2015. Collection method: clinical testing. Allele origin: unknown. Inheritance: X-linked inheritance. Affected: yes. Observed: 1 hemizygote.
Comment: This intronic variant (c.192-2A>C) has not been observed in population databases (gnomAD). This change has not been previously described, although a different substitution at this site has been predicted to affect splicing of the PLP1 mRNA (PMID 24685771).

Literature cited by the submitters: PubMed 24685771.